The following is an entry in ClinVar:

ClinVar aggregate classification (germline): Conflicting classifications of pathogenicity. Review status: criteria provided, conflicting classifications (1 of 4 stars). 4 submissions from 4 submitters: Uncertain significance (1); Likely benign (1). 2 of the submissions do not count toward it. Last evaluated 2026-02-04.

Conditions:
Zellweger spectrum disorders (ZS). Also called: Zellweger Spectrum Disorder (ZSD); Zellweger Spectrum Disorder; Zellweger Spectrum; Zellweger syndrome. Identifiers: Orphanet 912, MedGen C0043459, MONDO:0019609.
PEX1-related disorder. Also called: PEX1-related condition.

Allele frequency attached by ClinVar (database versions not stated): gnomAD 0.00001 and 0.00011; TOPMed 0.00002; gnomAD exomes 0.00013 and 0.00025; ExAC 0.00030; 1000 Genomes Project 30x 0.00078; 1000 Genomes Project 0.00100.
gnomAD v4.1: 202 of 1,601,868 alleles (0.013%); highest among the groups gnomAD compares: South Asian, 0.21%; 1 homozygote.

Submissions (4):

Labcorp Genetics (formerly Invitae), Labcorp
Classification: Likely benign for Zellweger spectrum disorders. Last evaluated: 2026-02-04. Review status: criteria provided, single submitter. Criteria: Invitae Variant Classification Sherloc (09022015). Collection method: clinical testing. Allele origin: germline.

Blueprint Genetics
Classification: Uncertain significance. Last evaluated: 2024-09-03. Review status: criteria provided, single submitter. Criteria: ACMG Guidelines, 2015. Collection method: clinical testing. Allele origin: germline.

PreventionGenetics, part of Exact Sciences
Classification: Likely benign for PEX1-related condition. Last evaluated: 2024-03-15. Review status: no assertion criteria provided. Collection method: clinical testing. Allele origin: germline. Not counted in ClinVar's aggregate classification.
Comment: This variant is classified as likely benign based on ACMG/AMP sequence variant interpretation guidelines (Richards et al. 2015 PMID: 25741868, with internal and published modifications).

Natera, Inc.
Classification: Uncertain significance for Zellweger syndrome. Last evaluated: 2017-05-08. Review status: no assertion criteria provided. Collection method: clinical testing. Allele origin: germline. Not counted in ClinVar's aggregate classification.

NM_000466.3(PEX1):c.1324C>T (p.Pro442Ser)

Gene: PEX1 (peroxisomal biogenesis factor 1; minus strand). Cytogenetic location: 7q21.2.
Variant type: single nucleotide variant.
Coding change: c.1324C>T on transcript NM_000466.3 (MANE Select); coding-DNA position 1324, C replaced by T.
Protein change: p.Pro442Ser; replaces proline 442 with serine.
Molecular consequence: missense variant.
Genome position (GRCh38, 1-based): chr7:92,513,883, G>A on the plus strand (C>T on the coding strand, the complement: PEX1 is on the minus strand). VCF-style: chr7-92513883-G-A. GRCh37 (hg19) VCF-style: chr7-92143197-G-A.
Other names: c.1324C>T, p.Pro442Ser (NM_001282677.2); c.700C>T, p.Pro234Ser (NM_001282678.2); short protein forms P234S, P442S.
Identifiers: ClinVar variation 714647 (VCV000714647.14), dbSNP rs560969584, ClinGen allele CA4341437.